The following is an entry in ClinVar:

NM_000051.4(ATM):c.7494T>C (p.Ser2498=)

Genes: ATM (ATM serine/threonine kinase; plus strand), C11orf65 (chromosome 11 open reading frame 65; minus strand). Cytogenetic location: 11q22.3.
Variant type: single nucleotide variant.
Coding change: c.7494T>C on transcript NM_000051.4 (MANE Select); coding-DNA position 7494, T replaced by C.
Protein change: p.Ser2498=; no amino-acid change (serine 2498 retained).
Molecular consequence: synonymous variant. On other transcripts: intron variant (2).
Genome position (GRCh38, 1-based): chr11:108,330,400, T>C. VCF-style: chr11-108330400-T-C. GRCh37 (hg19) VCF-style: chr11-108201127-T-C.
Other names: p.S2498S:TCT>TCC; p.Ser2498=; c.7494T>C, p.Ser2498= (NM_001351834.2); c.641-21329A>G (NM_001330368.2); c.*38+4820A>G (NM_001351110.2).
Identifiers: ClinVar variation 181839 (VCV000181839.42), dbSNP rs34393781, ClinGen allele CA297966.

ClinVar aggregate classification (germline): Conflicting classifications of pathogenicity. Review status: criteria provided, conflicting classifications (1 of 4 stars). 17 submissions from 17 submitters: Uncertain significance (2); Benign (2); Likely benign (9). 4 of the submissions do not count toward it. Last evaluated 2026-01-25.

Conditions:
ATM-related disorder. Also called: ATM-related disorders; ATM-related condition.
Breast and/or ovarian cancer. Identifiers: MedGen CN221562.
Hereditary cancer-predisposing syndrome. Also called: Hereditary Cancer Syndrome; Tumor predisposition; Neoplastic Syndromes, Hereditary; Hereditary neoplastic syndrome. Identifiers: Orphanet 140162, MedGen C0027672, MeSH D009386, MONDO:0015356.
Carcinoma of colon (CRC). Also called: Colonic carcinoma; Colon carcinoma. Identifiers: MedGen C0699790, MONDO:0002032.
Familial cancer of breast. Also called: hereditary breast carcinoma; BREAST CANCER, FAMILIAL; Hereditary breast cancer. Identifiers: Orphanet 227535, MedGen C0346153, MONDO:0016419, OMIM 114480. Disease mechanism: loss of function.
Ataxia-telangiectasia syndrome (AT). Also called: ATAXIA-TELANGIECTASIA, COMPLEMENTATION GROUP A; ATAXIA-TELANGIECTASIA, FRESNO VARIANT; Ataxia-telangiectasia; Ataxia-telangiectasia, complementation group E; Cerebello-oculocutaneous telangiectasia; Immunodeficiency with ataxia telangiectasia. Identifiers: Orphanet 100, MedGen C0004135, MONDO:0008840, OMIM 208900.

Allele frequency attached by ClinVar (database versions not stated): gnomAD exomes 0.00007 and 0.00032; gnomAD 0.00010; TOPMed 0.00011; ExAC 0.00007; ESP Exome Variant Server 0.00008.
gnomAD v4.1: 469 of 1,614,064 alleles (0.029%); highest among the groups gnomAD compares: Non-Finnish European, 0.039%; 1 homozygote.

Submissions (17):

Labcorp Genetics (formerly Invitae), Labcorp
Classification: Likely benign for Ataxia-telangiectasia syndrome. Last evaluated: 2026-01-25. Review status: criteria provided, single submitter. Criteria: Invitae Variant Classification Sherloc (09022015). Collection method: clinical testing. Allele origin: germline.

Mayo Clinic Laboratories, Mayo Clinic
Classification: Likely benign. Last evaluated: 2025-12-11. Review status: criteria provided, single submitter. Criteria: ACMG Guidelines, 2015. Collection method: clinical testing. Allele origin: germline. Observed: 1 variant allele.
Comment: BP4, BP7

Quest Diagnostics Nichols Institute San Juan Capistrano
Classification: Uncertain significance. Last evaluated: 2025-08-20. Review status: criteria provided, single submitter. Criteria: Quest Diagnostics criteria. Collection method: clinical testing. Allele origin: unknown.
Comment: The ATM c.7494T>C (p.Ser2498=) synonymous variant has not been reported in individuals with ATM-related conditions in the published literature. The frequency of this variant in the general population (Genome Aggregation Database) is uninformative in the assessment of its pathogenicity. Analysis of this variant using software algorithms for the prediction of the effect of nucleotide changes on ATM mRNA splicing yielded inconclusive findings. Based on the available information, we are unable to determine the clinical significance of this variant.

Athena Diagnostics
Classification: Uncertain significance. Last evaluated: 2025-02-05. Review status: criteria provided, single submitter. Criteria: Athena Diagnostics Criteria. Collection method: clinical testing. Allele origin: unknown.
Comment: Available data are insufficient to determine the clinical significance of the variant at this time. The frequency of this variant in the general population is uninformative in assessment of its pathogenicity. Computational tools yielded inconclusive predictions regarding the effect of this variant on RNA splicing.

Myriad Genetics, Inc.
Classification: Benign for Familial cancer of breast. Last evaluated: 2024-06-14. Review status: criteria provided, single submitter. Criteria: Myriad Autosomal Dominant, Autosomal Recessive and X-Linked Classification Criteria (2023). Collection method: clinical testing. Allele origin: unknown.
Comment: This variant is considered benign. This variant is a silent/synonymous amino acid change and it is not expected to impact splicing.

Blueprint Genetics
Classification: Likely benign. Last evaluated: 2024-05-08. Review status: criteria provided, single submitter. Criteria: ACMG Guidelines, 2015. Collection method: clinical testing. Allele origin: germline.

CHEO Genetics Diagnostic Laboratory, Children's Hospital of Eastern Ontario
Classification: Likely benign for Breast and/or ovarian cancer. Last evaluated: 2023-03-08. Review status: criteria provided, single submitter. Criteria: ACMG Guidelines, 2015. Collection method: clinical testing. Allele origin: germline.

Sema4
Classification: Likely benign for Hereditary cancer-predisposing syndrome. Last evaluated: 2020-10-28. Review status: criteria provided, single submitter. Criteria: Sema4 Curation Guidelines. Collection method: curation. Allele origin: germline.

Genetic Services Laboratory, University of Chicago
Classification: Likely benign. Last evaluated: 2019-10-08. Review status: criteria provided, single submitter. Criteria: ACMG Guidelines, 2015. Collection method: clinical testing. Allele origin: germline. Affected: no.

Women's Health and Genetics/Laboratory Corporation of America, LabCorp
Classification: Likely benign. Last evaluated: 2019-06-20. Review status: criteria provided, single submitter. Criteria: LabCorp Variant Classification Summary - May 2015. Collection method: clinical testing. Allele origin: germline.

Color Diagnostics, LLC DBA Color Health
Classification: Likely benign for Hereditary cancer-predisposing syndrome. Last evaluated: 2015-07-24. Review status: criteria provided, single submitter. Criteria: ACMG Guidelines, 2015. Collection method: clinical testing. Allele origin: germline.

Ambry Genetics
Classification: Likely benign for Hereditary cancer-predisposing syndrome. Last evaluated: 2014-07-16. Review status: criteria provided, single submitter. Criteria: Ambry Variant Classification Scheme 2023. Collection method: clinical testing. Allele origin: germline.

GeneDx
Classification: Benign. Last evaluated: 2014-07-16. Review status: criteria provided, single submitter. Criteria: GeneDx Variant Classification (06012015). Collection method: clinical testing. Allele origin: germline. Affected: yes.
Comment: This variant is considered likely benign or benign based on one or more of the following criteria: it is a conservative change, it occurs at a poorly conserved position in the protein, it is predicted to be benign by multiple in silico algorithms, and/or has population frequency not consistent with disease.

Natera, Inc.
Classification: Likely benign for Ataxia-telangiectasia. Last evaluated: 2020-04-18. Review status: no assertion criteria provided. Collection method: clinical testing. Allele origin: germline. Not counted in ClinVar's aggregate classification.

PreventionGenetics, part of Exact Sciences
Classification: Likely benign for ATM-related condition. Last evaluated: 2019-05-23. Review status: no assertion criteria provided. Collection method: clinical testing. Allele origin: germline. Not counted in ClinVar's aggregate classification.
Comment: This variant is classified as likely benign based on ACMG/AMP sequence variant interpretation guidelines (Richards et al. 2015 PMID: 25741868, with internal and published modifications).

Counsyl
Classification: Likely benign for Ataxia-telangiectasia syndrome. Last evaluated: 2016-12-23. Review status: no assertion criteria provided. Collection method: clinical testing. Allele origin: unknown. Not counted in ClinVar's aggregate classification.

Department of Pathology and Laboratory Medicine, Sinai Health System
Classification: Likely benign for Carcinoma of colon. Review status: no assertion criteria provided. Collection method: clinical testing. Allele origin: unknown. Affected: yes. Study: The Canadian Open Genetics Repository (COGR). Not counted in ClinVar's aggregate classification.
Comment: The ATM p.Ser2498= variant was not identified in the literature nor was it identified in the LOVD 3.0 database. The variant was identified in dbSNP (rs34393781) as â€šÃ„Ãºwith uncertain significance alleleâ€šÃ„Ã¹, ClinVar (interpreted as "likely benign" by Invitae and 3 others, "uncertain significance" by Integrated Genetics and "benign" by GeneDx). The variant was identified in control databases in 17 of 276,992 chromosomes at a frequency of 0.00006 (Genome Aggregation Database Feb 27, 2017). The variant was observed in the following populations: African in 2 of 24,032 chromosomes (freq: 0.00008), European in 15 of 126,500 chromosomes (freq: 0.0001), but not in the Other, Latino, Ashkenazi Jewish, East Asian, Finnish and South Asian populations. The p.Ser2498= variant is not expected to have clinical significance because it does not result in a change of amino acid and is not located in a known consensus splice site. The nucleotide is not highly conserved among mammals and in silico or computational prediction software programs (SpliceSiteFinder, MaxEntScan, NNSPLICE, GeneSplicer) do not predict a difference in splicing. In summary, based on the above information the clinical significance of this variant cannot be determined with certainty at this time although we would lean towards a more benign role for this variant. This variant is classified as likely benign.